The following is an entry in ClinVar:

NM_001379500.1(COL18A1):c.2125C>A (p.Pro709Thr)

Gene: COL18A1 (collagen type XVIII alpha 1 chain; plus strand). Cytogenetic location: 21q22.3.
Variant type: single nucleotide variant.
Coding change: c.2125C>A on transcript NM_001379500.1 (MANE Select); coding-DNA position 2125, C replaced by A.
Protein change: p.Pro709Thr; replaces proline 709 with threonine.
Molecular consequence: missense variant.
Genome position (GRCh38, 1-based): chr21:45,491,282, C>A. VCF-style: chr21-45491282-C-A. GRCh37 (hg19) VCF-style: chr21-46911196-C-A.
Other names: c.2665C>A, p.Pro889Thr (NM_030582.4); c.3370C>A, p.Pro1124Thr (NM_130444.3); short protein forms P709T, P1124T, P889T.
Identifiers: ClinVar variation 2123365 (VCV002123365.4), dbSNP rs2036332865, ClinGen allele CA410497042.
Genomic context (GRCh38, chr21:45,491,282, plus strand): 5'-CAGGGAGATCCAGGGAAGGACGGAGTCGGGCAGCCGGGCCTCCCTGGCCCCCCCGGACCC[C>A]CGGGACCTGTGGTCTACGTGTCGGAGCAGGACGTAAGGACGCTGCGTGGGTGGGCACCCA-3'
Protein context (NP_001366429.1, residues 699-719): QPGLPGPPGP[Pro709Thr]GPVVYVSEQD

ClinVar aggregate classification (germline): Uncertain significance (1 of 4 stars; one submission).

Allele frequency attached by ClinVar (database versions not stated): gnomAD exomes below 0.00001.
gnomAD v4.1: 2 of 1,612,246 alleles (0.00012%); highest among the groups gnomAD compares: Non-Finnish European, 0.000085%; no homozygotes.

Submission:

Labcorp Genetics (formerly Invitae), Labcorp
Classification: Uncertain significance. Last evaluated: 2023-10-28. Review status: criteria provided, single submitter. Criteria: Invitae Variant Classification Sherloc (09022015). Collection method: clinical testing. Allele origin: germline.
Comment: This sequence change replaces proline, which is neutral and non-polar, with threonine, which is neutral and polar, at codon 709 of the COL18A1 protein (p.Pro709Thr). This variant is not present in population databases (gnomAD no frequency). This variant has not been reported in the literature in individuals affected with COL18A1-related conditions. ClinVar contains an entry for this variant (Variation ID: 2123365). Experimental studies and prediction algorithms are not available or were not evaluated, and the functional significance of this variant is currently unknown. In summary, the available evidence is currently insufficient to determine the role of this variant in disease. Therefore, it has been classified as a Variant of Uncertain Significance.